The following is an entry in ClinVar:

NM_014363.6(SACS):c.10460del (p.Asn3487fs)

Gene: SACS (sacsin molecular chaperone; minus strand). Cytogenetic location: 13q12.12.
Variant type: Deletion.
Coding change: c.10460del on transcript NM_014363.6 (MANE Select); coding-DNA position 10460, one base deleted (A; older notation c.10460delA).
Protein change: p.Asn3487fs; shifts the reading frame from asparagine 3487.
Molecular consequence: frameshift variant.
Genome position (GRCh38, 1-based): chr13:23,333,416, T deleted on the plus strand (A on the coding strand, the reverse complement: SACS is on the minus strand); the first of 4 consecutive T bases (chr13:23,333,416-23,333,419); deleting any one gives the same sequence. VCF-style (leftmost placement, unchanged base first): chr13-23333415-AT-A. GRCh37 (hg19) VCF-style: chr13-23907554-AT-A.
Other names: c.10019del, p.Asn3340fs (NM_001278055.2); c.10487del, p.Asn3496fs (NM_001437336.1); short protein forms N3340fs, N3487fs, N3496fs.
Identifiers: ClinVar variation 4815667 (VCV004815667.1).
Genomic context (GRCh38, chr13:23,333,415, plus strand): 5'-AGCACTTGATAATCTATTCTTAAGGTAGATCAAGTGCTCTAATTTTGCATCATAAGAGAG[AT>A]TTTCAATTTTTGGTAAGAGGTGTTTCAAATATACCTCAAGATCATCTACAGGTACACAAC-3'

ClinVar aggregate classification (germline): Likely pathogenic (1 of 4 stars; one submission).

Conditions:
Charlevoix-Saguenay spastic ataxia (SACS). Also called: AUTOSOMAL RECESSIVE SPASTIC ATAXIA OF CHARLEVOIX-SAGUENAY; Spastic ataxia of Charlevoix-Saguenay; SPASTIC ATAXIA 6, AUTOSOMAL RECESSIVE. Identifiers: Orphanet 98, MedGen C1849140, MONDO:0010041, OMIM 270550.

Submission:

Natera, Inc.
Classification: Likely pathogenic for Charlevoix-Saguenay type spastic ataxia. Last evaluated: 2025-08-07. Review status: criteria provided, single submitter. Criteria: Natera Variant Classification Schema (03/2026). Collection method: clinical testing. Allele origin: germline.
Comment: The c.10460del variant in SACS is a frameshift variant predicted to shift the reading frame beginning at codon 3487 and leads to a stop codon 8 codons downstream. This variant is expected to result in nonsense mediated decay, truncation, or a dysfunctional protein product. This variant is rare in the general population with a frequency below the threshold expected for the associated phenotype(s). Given the available evidence, this variant is classified as Likely Pathogenic.